The following is an entry in ClinVar:

NM_005559.4(LAMA1):c.5661-2A>G

Gene: LAMA1 (laminin subunit alpha 1; minus strand). Cytogenetic location: 18p11.31.
Variant type: single nucleotide variant.
Coding change: c.5661-2A>G on transcript NM_005559.4 (MANE Select); the canonical splice acceptor site of the intron before coding-DNA position 5661, A replaced by G.
Molecular consequence: splice acceptor variant.
Genome position (GRCh38, 1-based): chr18:6,983,236, T>C on the plus strand (A>G on the coding strand, the complement: LAMA1 is on the minus strand). VCF-style: chr18-6983236-T-C. GRCh37 (hg19) VCF-style: chr18-6983235-T-C.
Other names: c.5661-2A>G (NM_005559.3).
Identifiers: ClinVar variation 1344951 (VCV001344951.8), dbSNP rs930107993, ClinGen allele CA295759476.

ClinVar aggregate classification (germline): Conflicting classifications of pathogenicity. Review status: criteria provided, conflicting classifications (1 of 4 stars). 5 submissions from 5 submitters: Pathogenic (1); Likely pathogenic (3); Uncertain significance (1). Last evaluated 2025-07-11.

Conditions:
LAMA1-related disorder. Also called: LAMA1-related condition; LAMA1-related disorders.
Ataxia - intellectual disability - oculomotor apraxia - cerebellar cysts syndrome. Also called: Poretti-Boltshauser syndrome. Identifiers: Orphanet 370022, MedGen C4014821, MONDO:0014419, OMIM 615960.
Muscular dystrophy, congenital, merosin deficient or partially deficient.

Allele frequency attached by ClinVar (database versions not stated): gnomAD 0.00001; gnomAD exomes 0.00002; TOPMed 0.00002.
gnomAD v4.1: 26 of 1,614,096 alleles (0.0016%); highest among the groups gnomAD compares: Middle Eastern, 0.033%; no homozygotes.

Submissions (5):

Dasa
Classification: Likely pathogenic. Last evaluated: 2025-07-11. Review status: criteria provided, single submitter. Criteria: DASA Assertion Criteria. Collection method: clinical testing. Allele origin: germline.
Comment: NM_005559.4(LAMA1):c.5661-2A>G affects a canonical splice site and is predicted to disrupt normal RNA splicing. Loss of function is an established disease mechanism for LAMA1-associated disorders. This variant has been observed in affected individuals with LAMA1-related disorders. Also, this variant is rare in population databases. Based on the currently available evidence, this variant is classified as likely pathogenic.

First Genomix Gene Laboratory, Genetic Diagnostics Department
Classification: Likely pathogenic for Ataxia - intellectual disability - oculomotor apraxia - cerebellar cysts syndrome. Last evaluated: 2025-01-27. Review status: criteria provided, single submitter. Criteria: ACMG Guidelines, 2015. Collection method: clinical testing. Allele origin: germline. Inheritance: Autosomal recessive inheritance. Affected: no. Observed: 1 variant allele.

Blueprint Genetics
Classification: Likely pathogenic for LAMA1-related disorders. Last evaluated: 2024-06-17. Review status: criteria provided, single submitter. Criteria: ACMG Guidelines, 2015. Collection method: clinical testing. Allele origin: germline. Affected: yes. Observed: 5 variant alleles.

Genomic Medicine Center of Excellence, King Faisal Specialist Hospital and Research Centre
Classification: Uncertain significance for Muscular dystrophy, congenital, merosin deficient or partially deficient. Last evaluated: 2024-03-14. Review status: criteria provided, single submitter. Criteria: ACMG Guidelines, 2015. Collection method: clinical testing. Allele origin: germline.

GeneDx
Classification: Pathogenic. Last evaluated: 2022-12-27. Review status: criteria provided, single submitter. Criteria: GeneDx Variant Classification Process June 2021. Collection method: clinical testing. Allele origin: germline. Affected: yes.
Comment: Canonical splice site variant predicted to result in a null allele in a gene for which loss-of-function is a known mechanism of disease; Not observed at a significant frequency in large population cohorts (gnomAD); This variant is associated with the following publications: (PMID: 34426522)